The following is an entry in ClinVar:

NM_021008.4(DEAF1):c.1336G>C (p.Glu446Gln)

Genes: DEAF1 (DEAF1 transcription factor; minus strand), LOC126861109 (BRD4-independent group 4 enhancer GRCh37_chr11:673917-675116; plus strand). Cytogenetic location: 11p15.5.
Variant type: single nucleotide variant.
Coding change: c.1336G>C on transcript NM_021008.4 (MANE Select); coding-DNA position 1336, G replaced by C.
Protein change: p.Glu446Gln; replaces glutamic acid 446 with glutamine.
Molecular consequence: missense variant.
Genome position (GRCh38, 1-based): chr11:674,703, C>G on the plus strand (G>C on the coding strand, the complement: DEAF1 is on the minus strand). VCF-style: chr11-674703-C-G. GRCh37 (hg19) VCF-style: chr11-674703-C-G.
Other names: c.1069G>C, p.Glu357Gln (NM_001293634.2); c.610G>C, p.Glu204Gln (NM_001367390.1); short protein forms E204Q, E357Q, E446Q.
Identifiers: ClinVar variation 3672133 (VCV003672133.2).

ClinVar aggregate classification (germline): Uncertain significance (1 of 4 stars; one submission).

gnomAD v4.1: 1 of 1,613,860 alleles (0.000062%); highest among the groups gnomAD compares: African/African-American, 0.0013%; no homozygotes.

Submission:

Labcorp Genetics (formerly Invitae), Labcorp
Classification: Uncertain significance. Last evaluated: 2024-06-15. Review status: criteria provided, single submitter. Criteria: Invitae Variant Classification Sherloc (09022015). Collection method: clinical testing. Allele origin: germline.
Comment: This sequence change replaces glutamic acid, which is acidic and polar, with glutamine, which is neutral and polar, at codon 446 of the DEAF1 protein (p.Glu446Gln). This variant is present in population databases (no rsID available, gnomAD 0.008%). This variant has not been reported in the literature in individuals affected with DEAF1-related conditions. Advanced modeling of protein sequence and biophysical properties (such as structural, functional, and spatial information, amino acid conservation, physicochemical variation, residue mobility, and thermodynamic stability) has been performed at Invitae for this missense variant, however the output from this modeling did not meet the statistical confidence thresholds required to predict the impact of this variant on DEAF1 protein function. In summary, the available evidence is currently insufficient to determine the role of this variant in disease. Therefore, it has been classified as a Variant of Uncertain Significance.